The following is an entry in ClinVar:

NM_001042492.3(NF1):c.5604T>A (p.Ser1868Arg)

Gene: NF1 (neurofibromin 1; plus strand). Cytogenetic location: 17q11.2.
Variant type: single nucleotide variant.
Coding change: c.5604T>A on transcript NM_001042492.3 (MANE Select); coding-DNA position 5604, T replaced by A.
Protein change: p.Ser1868Arg; replaces serine 1868 with arginine.
Molecular consequence: missense variant.
Genome position (GRCh38, 1-based): chr17:31,327,834, T>A. VCF-style: chr17-31327834-T-A. GRCh37 (hg19) VCF-style: chr17-29654852-T-A.
Other names: c.5541T>A, p.Ser1847Arg (NM_000267.4); short protein forms S1847R, S1868R.
Identifiers: ClinVar variation 5025613 (VCV005025613.1), dbSNP rs267604795.

ClinVar aggregate classification (germline): Uncertain significance (1 of 4 stars; one submission).

Conditions:
Cardiovascular phenotype. Identifiers: MedGen CN230736.
Hereditary cancer-predisposing syndrome. Also called: Neoplastic Syndromes, Hereditary; Tumor predisposition; Hereditary Cancer Syndrome; Hereditary neoplastic syndrome. Identifiers: Orphanet 140162, MedGen C0027672, MeSH D009386, MONDO:0015356.

Submission:

Ambry Genetics
Classification: Uncertain significance for Cardiovascular phenotype; Hereditary cancer-predisposing syndrome. Last evaluated: 2026-08-05. Review status: criteria provided, single submitter. Criteria: Ambry Variant Classification Scheme 2023. Collection method: clinical testing. Allele origin: germline.
Comment: The p.S1847R variant (also known as c.5541T>A), located in coding exon 37 of the NF1 gene, results from a T to A substitution at nucleotide position 5541. The serine at codon 1847 is replaced by arginine, an amino acid with dissimilar properties. This amino acid position is conserved. In addition, this alteration is predicted to be deleterious by in silico analysis. Based on the available evidence, the clinical significance of this variant remains unclear.